The following is an entry in ClinVar:

NM_017763.6(RNF43):c.533A>G (p.Lys178Arg)

Gene: RNF43 (ring finger protein 43; minus strand). Cytogenetic location: 17q22.
Variant type: single nucleotide variant.
Coding change: c.533A>G on transcript NM_017763.6 (MANE Select); coding-DNA position 533, A replaced by G.
Protein change: p.Lys178Arg; replaces lysine 178 with arginine.
Molecular consequence: missense variant.
Genome position (GRCh38, 1-based): chr17:58,363,324, T>C on the plus strand (A>G on the coding strand, the complement: RNF43 is on the minus strand). VCF-style: chr17-58363324-T-C. GRCh37 (hg19) VCF-style: chr17-56440685-T-C.
Other names: c.533A>G, p.Lys178Arg (NM_001305544.3); c.152A>G, p.Lys51Arg (NM_001305545.2); short protein forms K51R, K178R.
Identifiers: ClinVar variation 3946902 (VCV003946902.2).

ClinVar aggregate classification (germline): Uncertain significance. Review status: criteria provided, multiple submitters, no conflicts (2 of 4 stars). 2 submissions from 2 submitters: Uncertain significance (2). Last evaluated 2025-05-19.

gnomAD v4.1: 7 of 1,614,180 alleles (0.00043%); highest among the groups gnomAD compares: South Asian, 0.0077%; no homozygotes.

Submissions (2):

Ambry Genetics
Classification: Uncertain significance. Last evaluated: 2025-05-19. Review status: criteria provided, single submitter. Criteria: Ambry Variant Classification Scheme 2023. Collection method: clinical testing. Allele origin: germline.
Comment: The p.K178R variant (also known as c.533A>G), located in coding exon 4 of the RNF43 gene, results from an A to G substitution at nucleotide position 533. The lysine at codon 178 is replaced by arginine, an amino acid with highly similar properties. This amino acid position is conserved. In addition, this alteration is predicted to be tolerated by in silico analysis. Based on the available evidence, the clinical significance of this variant remains unclear.

Labcorp Genetics (formerly Invitae), Labcorp
Classification: Uncertain significance. Last evaluated: 2025-03-12. Review status: criteria provided, single submitter. Criteria: Invitae Variant Classification Sherloc (09022015). Collection method: clinical testing. Allele origin: germline.
Comment: This sequence change replaces lysine, which is basic and polar, with arginine, which is basic and polar, at codon 178 of the RNF43 protein (p.Lys178Arg). This variant is present in population databases (rs767440689, gnomAD 0.006%). This variant has not been reported in the literature in individuals affected with RNF43-related conditions. An algorithm developed to predict the effect of missense changes on protein structure and function (PolyPhen-2) suggests that this variant is likely to be disruptive. In summary, the available evidence is currently insufficient to determine the role of this variant in disease. Therefore, it has been classified as a Variant of Uncertain Significance.